The following is an entry in ClinVar:

NM_022726.4(ELOVL4):c.151A>G (p.Ser51Gly)

Gene: ELOVL4 (ELOVL fatty acid elongase 4; minus strand). Cytogenetic location: 6q14.1.
Variant type: single nucleotide variant.
Coding change: c.151A>G on transcript NM_022726.4 (MANE Select); coding-DNA position 151, A replaced by G.
Protein change: p.Ser51Gly; replaces serine 51 with glycine.
Molecular consequence: missense variant.
Genome position (GRCh38, 1-based): chr6:79,926,331, T>C on the plus strand (A>G on the coding strand, the complement: ELOVL4 is on the minus strand). VCF-style: chr6-79926331-T-C. GRCh37 (hg19) VCF-style: chr6-80636048-T-C.
Other names: short protein forms S51G.
Identifiers: ClinVar variation 2752951 (VCV002752951.3), dbSNP rs1774342734, ClinGen allele CA364657564.
Genomic context (GRCh38, chr6:79,926,331, plus strand): 5'-CTCGGTCCTTCATCCATTTTGGACCCAGCCACACAAACAGGAGATAAAGAGTGCTTATAC[T>C]TAGTGTAGGCCAAGGAGACTGCATCAGAGGCCAATTTTCCACACGCTTATCTATAGAGAG-3'
Protein context (NP_073563.1, residues 41-61): PLMQSPWPTL[Ser51Gly]ISTLYLLFVW

ClinVar aggregate classification (germline): Uncertain significance (1 of 4 stars; one submission).

Allele frequency attached by ClinVar (database versions not stated): gnomAD exomes below 0.00001.
gnomAD v4.1: 1 of 1,614,006 alleles (0.000062%); highest among the groups gnomAD compares: Non-Finnish European, 0.000085%; no homozygotes.

Submission:

Labcorp Genetics (formerly Invitae), Labcorp
Classification: Uncertain significance. Last evaluated: 2023-08-16. Review status: criteria provided, single submitter. Criteria: Invitae Variant Classification Sherloc (09022015). Collection method: clinical testing. Allele origin: germline.
Comment: In summary, the available evidence is currently insufficient to determine the role of this variant in disease. Therefore, it has been classified as a Variant of Uncertain Significance. Algorithms developed to predict the effect of sequence changes on RNA splicing suggest that this variant may create or strengthen a splice site. Advanced modeling of protein sequence and biophysical properties (such as structural, functional, and spatial information, amino acid conservation, physicochemical variation, residue mobility, and thermodynamic stability) performed at Invitae indicates that this missense variant is not expected to disrupt ELOVL4 protein function. This variant has not been reported in the literature in individuals affected with ELOVL4-related conditions. This variant is not present in population databases (gnomAD no frequency). This sequence change replaces serine, which is neutral and polar, with glycine, which is neutral and non-polar, at codon 51 of the ELOVL4 protein (p.Ser51Gly).